The following is an entry in ClinVar:

ClinVar aggregate classification (germline): Uncertain significance (1 of 4 stars; one submission).

Allele frequency attached by ClinVar (database versions not stated): gnomAD 0.00001; ExAC 0.00005; TOPMed 0.00005; gnomAD exomes 0.00007.
gnomAD v4.1: 99 of 1,613,182 alleles (0.0061%); highest among the groups gnomAD compares: Admixed American, 0.01%; no homozygotes.

Submission:

Labcorp Genetics (formerly Invitae), Labcorp
Classification: Uncertain significance. Last evaluated: 2025-07-14. Review status: criteria provided, single submitter. Criteria: Invitae Variant Classification Sherloc (09022015). Collection method: clinical testing. Allele origin: germline.
Comment: This sequence change replaces threonine, which is neutral and polar, with methionine, which is neutral and non-polar, at codon 164 of the REL protein (p.Thr164Met). This variant is present in population databases (rs781499490, gnomAD 0.02%). This variant has not been reported in the literature in individuals affected with REL-related conditions. ClinVar contains an entry for this variant (Variation ID: 2178806). An algorithm developed to predict the effect of missense changes on protein structure and function (PolyPhen-2) suggests that this variant is likely to be disruptive. In summary, the available evidence is currently insufficient to determine the role of this variant in disease. Therefore, it has been classified as a Variant of Uncertain Significance.

NM_001291746.2(REL):c.491C>T (p.Thr164Met)

Gene: REL (REL proto-oncogene, NF-kB subunit; plus strand). Cytogenetic location: 2p16.1.
Variant type: single nucleotide variant.
Coding change: c.491C>T on transcript NM_001291746.2 (MANE Select); coding-DNA position 491, C replaced by T.
Protein change: p.Thr164Met; replaces threonine 164 with methionine.
Molecular consequence: missense variant.
Genome position (GRCh38, 1-based): chr2:60,916,973, C>T. VCF-style: chr2-60916973-C-T. GRCh37 (hg19) VCF-style: chr2-61144108-C-T.
Other names: c.491C>T, p.Thr164Met (NM_002908.4); short protein forms T164M.
Identifiers: ClinVar variation 2178806 (VCV002178806.2), dbSNP rs781499490, ClinGen allele CA1672230.